The following is an entry in ClinVar:

ClinVar aggregate classification (germline): Pathogenic/Likely pathogenic. Review status: criteria provided, multiple submitters, no conflicts (2 of 4 stars). 2 submissions from 2 submitters: Pathogenic (1); Likely pathogenic (1). Last evaluated 2025-10-13.

Conditions:
Combined malonic and methylmalonic acidemia. Identifiers: Orphanet 289504, MedGen C3280314, MONDO:0013661, OMIM 614265.

Allele frequency attached by ClinVar (database versions not stated): gnomAD exomes below 0.00001.

Submissions (2):

Natera, Inc.
Classification: Likely pathogenic for Combined malonic and methylmalonic aciduria. Last evaluated: 2025-10-13. Review status: criteria provided, single submitter. Criteria: Natera Variant Classification Schema (03/2026). Collection method: clinical testing. Allele origin: germline.
Comment: The c.643_647delACGCA variant in ACSF3 is a frameshift variant predicted to shift the reading frame beginning at codon 215 and leads to a stop codon 53 codons downstream. This variant is expected to result in nonsense mediated decay, truncation, or a dysfunctional protein product. This variant is rare in the general population with a frequency below the threshold expected for the associated phenotype(s). Given the available evidence, this variant is classified as Likely Pathogenic.

Labcorp Genetics (formerly Invitae), Labcorp
Classification: Pathogenic for Combined malonic and methylmalonic acidemia. Last evaluated: 2020-03-29. Review status: criteria provided, single submitter. Criteria: Invitae Variant Classification Sherloc (09022015). Collection method: clinical testing. Allele origin: germline.
Comment: For these reasons, this variant has been classified as Pathogenic. Loss-of-function variants in ACSF3 are known to be pathogenic (PMID: 21841779, 26827111). This variant has not been reported in the literature in individuals with ACSF3-related conditions. This variant is not present in population databases (ExAC no frequency). This sequence change creates a premature translational stop signal (p.Thr215Profs*53) in the ACSF3 gene. It is expected to result in an absent or disrupted protein product.

Literature cited by the submitters: PubMed 21841779 (cited by Labcorp Genetics (formerly Invitae), Labcorp); PubMed 26827111 (cited by Labcorp Genetics (formerly Invitae), Labcorp).

NM_001243279.3(ACSF3):c.643_647del (p.Thr215fs)

Gene: ACSF3 (acyl-CoA synthetase family member 3; plus strand). Cytogenetic location: 16q24.3.
Variant type: Deletion.
Coding change: c.643_647del on transcript NM_001243279.3 (MANE Select); coding-DNA positions 643 to 647, 5 bases deleted (ACGCA; older notation c.643_647delACGCA).
Protein change: p.Thr215fs; shifts the reading frame from threonine 215.
Molecular consequence: frameshift variant. On other transcripts: non-coding transcript variant (3), intron variant (1).
Genome position (GRCh38, 1-based): chr16:89,101,324-89,101,328, ACGCA deleted. VCF-style (leftmost placement, unchanged base first): chr16-89101323-CACGCA-C. GRCh37 (hg19) VCF-style: chr16-89167731-CACGCA-C.
Other names: c.643_647del, p.Thr215fs (NM_001127214.4, NM_174917.5); c.-129-1280_-129-1276del (NM_001284316.2); c.643_647delACGCA (NM_174917.4); short protein forms T215fs.
Identifiers: ClinVar variation 1075808 (VCV001075808.8), dbSNP rs1567685802, ClinGen allele CA624451413.